The following is an entry in ClinVar:

ClinVar aggregate classification (germline): Uncertain significance (1 of 4 stars; one submission).

Submission:

Ambry Genetics
Classification: Uncertain significance. Last evaluated: 2025-01-25. Review status: criteria provided, single submitter. Criteria: Ambry Variant Classification Scheme 2023. Collection method: clinical testing. Allele origin: germline.
Comment: The p.H88R variant (also known as c.263A>G), located in coding exon 2 of the ATRIP gene, results from an A to G substitution at nucleotide position 263. The histidine at codon 88 is replaced by arginine, an amino acid with highly similar properties. This amino acid position is conserved. In addition, this alteration is predicted to be tolerated by in silico analysis. Based on the available evidence, the clinical significance of this variant remains unclear.

NM_130384.3(ATRIP):c.263A>G (p.His88Arg)

Genes: ATRIP (ATR interacting protein; plus strand), ATRIP-TREX1 (ATRIP-TREX1 readthrough; plus strand). Cytogenetic location: 3p21.31.
Variant type: single nucleotide variant.
Coding change: c.263A>G on transcript NM_130384.3 (MANE Select); coding-DNA position 263, A replaced by G.
Protein change: p.His88Arg; replaces histidine 88 with arginine.
Molecular consequence: missense variant. On other transcripts: non-coding transcript variant (1), 5 prime UTR variant (2).
Genome position (GRCh38, 1-based): chr3:48,450,052, A>G. VCF-style: chr3-48450052-A-G. GRCh37 (hg19) VCF-style: chr3-48491458-A-G.
Other names: c.-202A>G (NM_001271022.2); c.-17A>G (NM_001271023.2); c.263A>G, p.His88Arg (NM_032166.4); short protein forms H88R.
Identifiers: ClinVar variation 3810131 (VCV003810131.1).